The following is an entry in ClinVar:

NM_001482.3(GATM):c.98A>G (p.Gln33Arg)

Gene: GATM (glycine amidinotransferase; minus strand). Cytogenetic location: 15q21.1.
Variant type: single nucleotide variant.
Coding change: c.98A>G on transcript NM_001482.3 (MANE Select); coding-DNA position 98, A replaced by G.
Protein change: p.Gln33Arg; replaces glutamine 33 with arginine.
Molecular consequence: missense variant. On other transcripts: 5 prime UTR variant (1).
Genome position (GRCh38, 1-based): chr15:45,376,791, T>C on the plus strand (A>G on the coding strand, the complement: GATM is on the minus strand). VCF-style: chr15-45376791-T-C. GRCh37 (hg19) VCF-style: chr15-45668989-T-C.
Other names: c.-290A>G (NM_001321015.2); short protein forms Q33R.
Identifiers: ClinVar variation 4709996 (VCV004709996.1).

ClinVar aggregate classification (germline): Uncertain significance (1 of 4 stars; one submission).

Conditions:
Arginine:glycine amidinotransferase deficiency (CCDS3). Also called: L-Arginine:Glycine Amidinotransferase (AGAT) Deficiency; AGAT deficiency; L-Arginine:Glycine Amidinotransferase Deficiency; Creatine deficiency syndrome due to AGAT deficiency; GATM deficiency; Cerebral creatine deficiency syndrome 3. Identifiers: Orphanet 35704, MedGen C2675179, MONDO:0012996, OMIM 612718.

Submission:

Labcorp Genetics (formerly Invitae), Labcorp
Classification: Uncertain significance for Arginine:glycine amidinotransferase deficiency. Last evaluated: 2025-03-31. Review status: criteria provided, single submitter. Criteria: Invitae Variant Classification Sherloc (09022015). Collection method: clinical testing. Allele origin: germline.
Comment: This sequence change replaces glutamine, which is neutral and polar, with arginine, which is basic and polar, at codon 33 of the GATM protein (p.Gln33Arg). This variant is present in population databases (no rsID available, gnomAD 0.003%). This variant has not been reported in the literature in individuals affected with GATM-related conditions. Invitae Evidence Modeling of protein sequence and biophysical properties (such as structural, functional, and spatial information, amino acid conservation, physicochemical variation, residue mobility, and thermodynamic stability) indicates that this missense variant is not expected to disrupt GATM protein function with a negative predictive value of 95%. In summary, the available evidence is currently insufficient to determine the role of this variant in disease. Therefore, it has been classified as a Variant of Uncertain Significance.